The following is an entry in ClinVar:

NM_207122.2(EXT2):c.1412G>A (p.Arg471Gln)

Genes: EXT2 (exostosin glycosyltransferase 2; plus strand), LOC126861201 (MED14-independent group 3 enhancer GRCh37_chr11:44218806-44220005; plus strand). Cytogenetic location: 11p11.2.
Variant type: single nucleotide variant.
Coding change: c.1412G>A on transcript NM_207122.2 (MANE Select); coding-DNA position 1412, G replaced by A.
Protein change: p.Arg471Gln; replaces arginine 471 with glutamine.
Molecular consequence: missense variant.
Genome position (GRCh38, 1-based): chr11:44,197,935, G>A. VCF-style: chr11-44197935-G-A. GRCh37 (hg19) VCF-style: chr11-44219485-G-A.
Other names: c.1412G>A (NM_207122.1); c.1511G>A, p.Arg504Gln (NM_000401.3); c.1442G>A, p.Arg481Gln (NM_001178083.3); short protein forms R471Q, R481Q, R504Q.
Identifiers: ClinVar variation 1054549 (VCV001054549.12), dbSNP rs141256266, ClinGen allele CA5955255.

ClinVar aggregate classification (germline): Uncertain significance. Review status: criteria provided, multiple submitters, no conflicts (2 of 4 stars). 3 submissions from 3 submitters: Uncertain significance (2). 1 of the submissions does not count toward it. Last evaluated 2025-07-14.

Conditions:
Exostoses, multiple, type 2 (EXT2). Also called: Hereditary Multiple Osteochondromatosis, Type II; EXOSTOSES, MULTIPLE, TYPE II. Identifiers: Orphanet 321, MedGen C1851413, MONDO:0007586, OMIM 133701.
Inborn genetic diseases. Identifiers: MedGen C0950123, MeSH D030342.
EXT2-related disorder. Also called: EXT2-related condition.

Allele frequency attached by ClinVar (database versions not stated): gnomAD exomes 0.00004 and 0.00006; ExAC 0.00005; gnomAD 0.00005 and 0.00006; ESP Exome Variant Server 0.00015; TOPMed 0.00015.
gnomAD v4.1: 100 of 1,613,846 alleles (0.0062%); highest among the groups gnomAD compares: Admixed American, 0.012%; no homozygotes.

Submissions (3):

Labcorp Genetics (formerly Invitae), Labcorp
Classification: Uncertain significance for Exostoses, multiple, type 2. Last evaluated: 2025-07-14. Review status: criteria provided, single submitter. Criteria: Invitae Variant Classification Sherloc (09022015). Collection method: clinical testing. Allele origin: germline.
Comment: This sequence change replaces arginine, which is basic and polar, with glutamine, which is neutral and polar, at codon 471 of the EXT2 protein (p.Arg471Gln). This variant is present in population databases (rs141256266, gnomAD 0.01%). This missense change has been observed in individual(s) with clinical features of EXT2-related conditions (PMID: 21520333). ClinVar contains an entry for this variant (Variation ID: 1054549). Invitae Evidence Modeling of protein sequence and biophysical properties (such as structural, functional, and spatial information, amino acid conservation, physicochemical variation, residue mobility, and thermodynamic stability) indicates that this missense variant is not expected to disrupt EXT2 protein function with a negative predictive value of 95%. In summary, the available evidence is currently insufficient to determine the role of this variant in disease. Therefore, it has been classified as a Variant of Uncertain Significance.

Ambry Genetics
Classification: Uncertain significance for Inborn genetic diseases. Last evaluated: 2022-11-09. Review status: criteria provided, single submitter. Criteria: Ambry Variant Classification Scheme 2023. Collection method: clinical testing. Allele origin: germline.

PreventionGenetics, part of Exact Sciences
Classification: Uncertain significance for EXT2-related condition. Last evaluated: 2023-11-16. Review status: no assertion criteria provided. Collection method: clinical testing. Allele origin: germline. Not counted in ClinVar's aggregate classification.
Comment: The EXT2 c.1412G>A variant is predicted to result in the amino acid substitution p.Arg471Gln. To our knowledge, this variant has not been reported in the literature. This variant is reported in 0.0087% of alleles in individuals of Latino descent in gnomAD and has been interpreted as uncertain in ClinVar. At this time, the clinical significance of this variant is uncertain due to the absence of conclusive functional and genetic evidence.

Literature cited by the submitters: PubMed 21520333 (cited by Labcorp Genetics (formerly Invitae), Labcorp).